The following is an entry in ClinVar:

ClinVar aggregate classification (germline): Likely benign. Review status: criteria provided, single submitter (1 of 4 stars). 2 submissions from 2 submitters: Likely benign (1). 1 of the submissions does not count toward it. Last evaluated 2025-10-07.

Conditions:
KIF17-related disorder. Also called: KIF17-related condition.

Allele frequency attached by ClinVar (database versions not stated): 1000 Genomes Project 0.00120; ExAC 0.00118; gnomAD 0.00134; ESP Exome Variant Server 0.00216; 1000 Genomes Project 30x 0.00109; TOPMed 0.00156.

Submissions (2):

Ambry Genetics
Classification: Likely benign. Last evaluated: 2025-10-07. Review status: criteria provided, single submitter. Criteria: Ambry Variant Classification Scheme 2023. Collection method: clinical testing. Allele origin: germline.

PreventionGenetics, part of Exact Sciences
Classification: Likely benign for KIF17-related condition. Last evaluated: 2022-08-02. Review status: no assertion criteria provided. Collection method: clinical testing. Allele origin: germline. Not counted in ClinVar's aggregate classification.
Comment: This variant is classified as likely benign based on ACMG/AMP sequence variant interpretation guidelines (Richards et al. 2015 PMID: 25741868, with internal and published modifications).

NM_001122819.3(KIF17):c.2132C>T (p.Pro711Leu)

Gene: KIF17 (kinesin family member 17; minus strand). Cytogenetic location: 1p36.12.
Variant type: single nucleotide variant.
Coding change: c.2132C>T on transcript NM_001122819.3 (MANE Select); coding-DNA position 2132, C replaced by T.
Protein change: p.Pro711Leu; replaces proline 711 with leucine.
Molecular consequence: missense variant.
Genome position (GRCh38, 1-based): chr1:20,684,908, G>A on the plus strand (C>T on the coding strand, the complement: KIF17 is on the minus strand). VCF-style: chr1-20684908-G-A. GRCh37 (hg19) VCF-style: chr1-21011401-G-A.
Other names: c.1832C>T, p.Pro611Leu (NM_001287212.2); c.2132C>T, p.Pro711Leu (NM_020816.4); c.2132C>T (NM_020816.2); short protein forms P611L, P711L.
Identifiers: ClinVar variation 3053692 (VCV003053692.3), dbSNP rs143758204, ClinGen allele CA661753.
Genomic context (GRCh38, chr1:20,684,908, plus strand): 5'-TCATCAGTCAGCACTGCCACCTCCATGCCCACGCTCTCCCTCTTCACACCAGCTGTGGCC[G>A]GCAGGGGCTCAGGCTGAGCCACCAGGGCCACCGGGGCCTGAGCCTCCAACCACACGCCAG-3'
Protein context (NP_001116291.1, residues 701-721): VALVAQPEPL[Pro711Leu]ATAGVKRESV